The following is an entry in ClinVar:

NM_000535.7(PMS2):c.846G>C (p.Arg282Ser)

Gene: PMS2 (PMS1 homolog 2, mismatch repair system component; minus strand). Cytogenetic location: 7p22.1.
Variant type: single nucleotide variant.
Coding change: c.846G>C on transcript NM_000535.7 (MANE Select); coding-DNA position 846, G replaced by C.
Protein change: p.Arg282Ser; replaces arginine 282 with serine.
Molecular consequence: missense variant. On other transcripts: non-coding transcript variant (1), intron variant (4), 5 prime UTR variant (2).
Genome position (GRCh38, 1-based): chr7:5,995,591, C>G on the plus strand (G>C on the coding strand, the complement: PMS2 is on the minus strand). VCF-style: chr7-5995591-C-G. GRCh37 (hg19) VCF-style: chr7-6035222-C-G.
Other names: c.441G>C, p.Arg147Ser (NM_001406896.1, NM_001406897.1, NM_001406898.1 and 20 more transcripts); c.537G>C, p.Arg179Ser (NM_001406900.1, NM_001406882.1, NM_001322015.2 and 6 more transcripts); c.528G>C, p.Arg176Ser (NM_001406901.1, NM_001406902.1, NM_001406903.1 and 4 more transcripts); c.333G>C, p.Arg111Ser (NM_001406904.1, NM_001406905.1); c.273G>C, p.Arg91Ser (NM_001406909.1, NM_001322013.2); c.133-3534G>C (NM_001406911.1); c.538-3534G>C (NM_001406886.1); c.705+3517G>C (NM_001406873.1); and 8 more; short protein forms R111S, R290S, R91S, R147S, R170S, R176S, R226S, R246S.
Identifiers: ClinVar variation 2966432 (VCV002966432.3), dbSNP rs753748043, ClinGen allele CA366743501.

ClinVar aggregate classification (germline): Uncertain significance (1 of 4 stars; one submission).

Conditions:
Hereditary nonpolyposis colorectal neoplasms. Identifiers: MedGen C0009405, MeSH D003123.

Submission:

Labcorp Genetics (formerly Invitae), Labcorp
Classification: Uncertain significance for Hereditary nonpolyposis colorectal neoplasms. Last evaluated: 2025-11-09. Review status: criteria provided, single submitter. Criteria: Invitae Variant Classification Sherloc (09022015). Collection method: clinical testing. Allele origin: germline.
Comment: This sequence change replaces arginine, which is basic and polar, with serine, which is neutral and polar, at codon 282 of the PMS2 protein (p.Arg282Ser). This variant is not present in population databases (gnomAD no frequency). This variant has not been reported in the literature in individuals affected with PMS2-related conditions. ClinVar contains an entry for this variant (Variation ID: 2966432). Invitae Evidence Modeling incorporating data from in vitro experimental studies (internal data) indicates that this missense variant is not expected to disrupt PMS2 function with a negative predictive value of 95%. In summary, the available evidence is currently insufficient to determine the role of this variant in disease. Therefore, it has been classified as a Variant of Uncertain Significance.